The following is an entry in ClinVar:

ClinVar aggregate classification (germline): Uncertain significance. Review status: criteria provided, multiple submitters, no conflicts (2 of 4 stars). 5 submissions from 5 submitters: Uncertain significance (5). Last evaluated 2025-12-24.

Conditions:
HOXB13-related disorder. Also called: HOXB13-related disorders; HOXB13-related condition.
Hereditary cancer-predisposing syndrome. Also called: Neoplastic Syndromes, Hereditary; Hereditary Cancer Syndrome; Tumor predisposition; Hereditary neoplastic syndrome. Identifiers: Orphanet 140162, MedGen C0027672, MeSH D009386, MONDO:0015356.

Allele frequency attached by ClinVar (database versions not stated): TOPMed 0.00002; ExAC 0.00004.
gnomAD v4.1: 22 of 1,611,456 alleles (0.0014%); highest among the groups gnomAD compares: Admixed American, 0.022%; no homozygotes.

Submissions (5):

Labcorp Genetics (formerly Invitae), Labcorp
Classification: Uncertain significance. Last evaluated: 2025-12-24. Review status: criteria provided, single submitter. Criteria: Invitae Variant Classification Sherloc (09022015). Collection method: clinical testing. Allele origin: germline.
Comment: This sequence change replaces arginine, which is basic and polar, with leucine, which is neutral and non-polar, at codon 217 of the HOXB13 protein (p.Arg217Leu). This variant is present in population databases (rs749518336, gnomAD 0.03%). This variant has not been reported in the literature in individuals affected with HOXB13-related conditions. ClinVar contains an entry for this variant (Variation ID: 483510). Invitae Evidence Modeling of protein sequence and biophysical properties (such as structural, functional, and spatial information, amino acid conservation, physicochemical variation, residue mobility, and thermodynamic stability) indicates that this missense variant is expected to disrupt HOXB13 protein function with a positive predictive value of 80%. In summary, the available evidence is currently insufficient to determine the role of this variant in disease. Therefore, it has been classified as a Variant of Uncertain Significance.

Quest Diagnostics Nichols Institute San Juan Capistrano
Classification: Uncertain significance. Last evaluated: 2025-09-02. Review status: criteria provided, single submitter. Criteria: Quest Diagnostics criteria. Collection method: clinical testing. Allele origin: unknown.
Comment: The HOXB13 c.650G>T (p.Arg217Leu) variant has not been reported in individuals with HOXB13-related conditions in the published literature. The frequency of this variant in the general population (Genome Aggregation Database) is higher than would generally be expected for pathogenic variants in this gene. Analysis of this variant using bioinformatics tools for the prediction of the effect of amino acid changes on protein structure and function yielded predictions that this variant is damaging. Based on the available information, we are unable to determine the clinical significance of this variant.

PreventionGenetics, part of Exact Sciences
Classification: Uncertain significance for HOXB13-related condition. Last evaluated: 2025-06-02. Review status: criteria provided, single submitter. Criteria: ACMG Guidelines, 2015. Collection method: clinical testing. Allele origin: germline.
Comment: The HOXB13 c.650G>T variant is predicted to result in the amino acid substitution p.Arg217Leu. To our knowledge, this variant has not been reported in the literature in individuals with HOXB13-related disease. This variant is reported in 0.026% of alleles in individuals of Latino descent in gnomAD and is classified as having uncertain clinical significance in ClinVar. At this time, the clinical significance of this variant is uncertain due to the absence of conclusive functional and genetic evidence.

GeneDx
Classification: Uncertain significance. Last evaluated: 2025-02-28. Review status: criteria provided, single submitter. Criteria: GeneDx Variant Classification Process June 2021. Collection method: clinical testing. Allele origin: germline. Affected: yes.
Comment: In silico analysis supports that this missense variant has a deleterious effect on protein structure/function; Has not been previously published as pathogenic or benign to our knowledge; This variant is associated with the following publications: (PMID: 28072499, 19389631, 8756292)

Ambry Genetics
Classification: Uncertain significance for Hereditary cancer-predisposing syndrome. Last evaluated: 2024-01-19. Review status: criteria provided, single submitter. Criteria: Ambry Variant Classification Scheme 2023. Collection method: clinical testing. Allele origin: germline.
Comment: The p.R217L variant (also known as c.650G>T), located in coding exon 2 of the HOXB13 gene, results from a G to T substitution at nucleotide position 650. The arginine at codon 217 is replaced by leucine, an amino acid with dissimilar properties. This amino acid position is highly conserved in available vertebrate species. In addition, this alteration is predicted to be deleterious by in silico analysis. Since supporting evidence is limited at this time, the clinical significance of this alteration remains unclear.

Literature cited by the submitters: PubMed 28072499 (cited by Quest Diagnostics Nichols Institute San Juan Capistrano and Ambry Genetics); PubMed 40060932 (cited by Quest Diagnostics Nichols Institute San Juan Capistrano).

NM_006361.6(HOXB13):c.650G>T (p.Arg217Leu)

Gene: HOXB13 (homeobox B13; minus strand). Cytogenetic location: 17q21.32.
Variant type: single nucleotide variant.
Coding change: c.650G>T on transcript NM_006361.6 (MANE Select); coding-DNA position 650, G replaced by T.
Protein change: p.Arg217Leu; replaces arginine 217 with leucine.
Molecular consequence: missense variant.
Genome position (GRCh38, 1-based): chr17:48,726,995, C>A on the plus strand (G>T on the coding strand, the complement: HOXB13 is on the minus strand). VCF-style: chr17-48726995-C-A. GRCh37 (hg19) VCF-style: chr17-46804357-C-A.
Other names: short protein forms R217L.
Identifiers: ClinVar variation 483510 (VCV000483510.20), dbSNP rs749518336, ClinGen allele CA8633932.